The following is an entry in ClinVar:

NM_000443.4(ABCB4):c.2948G>A (p.Gly983Asp)

Gene: ABCB4 (ATP binding cassette subfamily B member 4; minus strand). Cytogenetic location: 7q21.12.
Variant type: single nucleotide variant.
Coding change: c.2948G>A on transcript NM_000443.4 (MANE Select); coding-DNA position 2948, G replaced by A.
Protein change: p.Gly983Asp; replaces glycine 983 with aspartic acid.
Molecular consequence: missense variant.
Genome position (GRCh38, 1-based): chr7:87,409,369, C>T on the plus strand (G>A on the coding strand, the complement: ABCB4 is on the minus strand). VCF-style: chr7-87409369-C-T. GRCh37 (hg19) VCF-style: chr7-87038685-C-T.
Other names: c.2948G>A, p.Gly983Asp (NM_018849.3); c.2807G>A, p.Gly936Asp (NM_018850.3); short protein forms G936D, G983D.
Identifiers: ClinVar variation 2571970 (VCV002571970.2), dbSNP rs2546754572, ClinGen allele CA368060230.

ClinVar aggregate classification (germline): Likely pathogenic (1 of 4 stars; one submission).

Submission:

GeneDx
Classification: Likely pathogenic. Last evaluated: 2023-07-17. Review status: criteria provided, single submitter. Criteria: GeneDx Variant Classification Process June 2021. Collection method: clinical testing. Allele origin: germline. Affected: yes.
Comment: Not observed at significant frequency in large population cohorts (gnomAD); In silico analysis supports that this missense variant has a deleterious effect on protein structure/function; Has not been previously published as pathogenic or benign to our knowledge